The following is an entry in ClinVar:

NM_001621.5(AHR):c.1160C>T (p.Thr387Ile)

Gene: AHR (aryl hydrocarbon receptor; plus strand). Cytogenetic location: 7p21.1.
Variant type: single nucleotide variant.
Coding change: c.1160C>T on transcript NM_001621.5 (MANE Select); coding-DNA position 1160, C replaced by T.
Protein change: p.Thr387Ile; replaces threonine 387 with isoleucine.
Molecular consequence: missense variant.
Genome position (GRCh38, 1-based): chr7:17,335,786, C>T. VCF-style: chr7-17335786-C-T. GRCh37 (hg19) VCF-style: chr7-17375410-C-T.
Other names: short protein forms T387I.
Identifiers: ClinVar variation 1965097 (VCV001965097.5), dbSNP rs1246045330, ClinGen allele CA366893129.

ClinVar aggregate classification (germline): Uncertain significance (1 of 4 stars; one submission).

Allele frequency attached by ClinVar (database versions not stated): TOPMed 0.00001.
gnomAD v4.1: 14 of 1,610,902 alleles (0.00087%); highest among the groups gnomAD compares: African/African-American, 0.0027%; no homozygotes.

Submission:

Labcorp Genetics (formerly Invitae), Labcorp
Classification: Uncertain significance. Last evaluated: 2022-07-01. Review status: criteria provided, single submitter. Criteria: Invitae Variant Classification Sherloc (09022015). Collection method: clinical testing. Allele origin: germline.
Comment: In summary, the available evidence is currently insufficient to determine the role of this variant in disease. Therefore, it has been classified as a Variant of Uncertain Significance. Algorithms developed to predict the effect of missense changes on protein structure and function are either unavailable or do not agree on the potential impact of this missense change (SIFT: "Deleterious"; PolyPhen-2: "Probably Damaging"; Align-GVGD: "Class C0"). This variant has not been reported in the literature in individuals affected with AHR-related conditions. This variant is not present in population databases (gnomAD no frequency). This sequence change replaces threonine, which is neutral and polar, with isoleucine, which is neutral and non-polar, at codon 387 of the AHR protein (p.Thr387Ile).